The following is an entry in ClinVar:

ClinVar aggregate classification (germline): Benign/Likely benign. Review status: criteria provided, multiple submitters, no conflicts (2 of 4 stars). 3 submissions from 3 submitters: Benign (1); Likely benign (2). Last evaluated 2024-05-01.

Allele frequency attached by ClinVar (database versions not stated): gnomAD exomes 0.00006 and 0.00013; ExAC 0.00017; ESP Exome Variant Server 0.00023; 1000 Genomes Project 0.00060; 1000 Genomes Project 30x 0.00062; gnomAD 0.00062 and 0.00068; TOPMed 0.00083.
gnomAD v4.1: 181 of 1,613,782 alleles (0.011%); highest among the groups gnomAD compares: African/African-American, 0.21%; no homozygotes.

Submissions (3):

CeGaT Center for Human Genetics Tuebingen
Classification: Benign. Last evaluated: 2024-05-01. Review status: criteria provided, single submitter. Criteria: CeGaT Center For Human Genetics Tuebingen Variant Classification Criteria Version 2. Collection method: clinical testing. Allele origin: germline. Affected: yes. Observed: 1 variant allele.
Comment: REV3L: BP4, BS1, BS2

Labcorp Genetics (formerly Invitae), Labcorp
Classification: Likely benign. Last evaluated: 2018-11-14. Review status: criteria provided, single submitter. Criteria: Invitae Variant Classification Sherloc (09022015). Collection method: clinical testing. Allele origin: germline.

Breakthrough Genomics
Classification: Likely benign. Review status: criteria provided, single submitter. Criteria: ACMG Guidelines, 2015. Collection method: not provided. Allele origin: germline. Inheritance: Unknown mechanism. Affected: yes.

NM_001372078.1(REV3L):c.3474G>C (p.Lys1158Asn)

Gene: REV3L (REV3 like, DNA directed polymerase zeta catalytic subunit; minus strand). Cytogenetic location: 6q21.
Variant type: single nucleotide variant.
Coding change: c.3474G>C on transcript NM_001372078.1 (MANE Select); coding-DNA position 3474, G replaced by C.
Protein change: p.Lys1158Asn; replaces lysine 1158 with asparagine.
Molecular consequence: missense variant.
Genome position (GRCh38, 1-based): chr6:111,374,881, C>G on the plus strand (G>C on the coding strand, the complement: REV3L is on the minus strand). VCF-style: chr6-111374881-C-G. GRCh37 (hg19) VCF-style: chr6-111696084-C-G.
Other names: c.3240G>C, p.Lys1080Asn (NM_001286431.2, NM_001286432.2); c.3474G>C, p.Lys1158Asn (NM_002912.5); short protein forms K1158N, K1080N.
Identifiers: ClinVar variation 740485 (VCV000740485.23), dbSNP rs147093826, ClinGen allele CA3962193.